The following is an entry in ClinVar:

NM_001036.6(RYR3):c.10921A>G (p.Met3641Val)

Gene: RYR3 (ryanodine receptor 3; plus strand). Cytogenetic location: 15q14.
Variant type: single nucleotide variant.
Coding change: c.10921A>G on transcript NM_001036.6 (MANE Select); coding-DNA position 10921, A replaced by G.
Protein change: p.Met3641Val; replaces methionine 3641 with valine.
Molecular consequence: missense variant.
Genome position (GRCh38, 1-based): chr15:33,821,528, A>G. VCF-style: chr15-33821528-A-G. GRCh37 (hg19) VCF-style: chr15-34113729-A-G.
Other names: c.10906A>G, p.Met3636Val (NM_001243996.4); short protein forms M3641V, M3636V.
Identifiers: ClinVar variation 461835 (VCV000461835.38), dbSNP rs146201205, ClinGen allele CA7461050.

ClinVar aggregate classification (germline): Benign/Likely benign. Review status: criteria provided, multiple submitters, no conflicts (2 of 4 stars). 4 submissions from 4 submitters: Benign (2); Likely benign (2). Last evaluated 2025-09-02.

Conditions:
Epileptic encephalopathy. Identifiers: MedGen C0543888, HP:0200134.

Allele frequency attached by ClinVar (database versions not stated): ESP Exome Variant Server 0.00055; TOPMed 0.00076; 1000 Genomes Project 0.00120; gnomAD exomes 0.00122 and 0.00208; gnomAD 0.00168 and 0.00169; 1000 Genomes Project 30x 0.00172; ExAC 0.00186.
gnomAD v4.1: 2,041 of 1,613,960 alleles (0.13%); highest among the groups gnomAD compares: Middle Eastern, 0.33%; 6 homozygotes.

Submissions (6):

Labcorp Genetics (formerly Invitae), Labcorp
Classification: Benign for Epileptic encephalopathy. Last evaluated: 2025-09-02. Review status: criteria provided, single submitter. Criteria: Invitae Variant Classification Sherloc (09022015). Collection method: clinical testing. Allele origin: germline.

Blueprint Genetics
Classification: Likely benign. Last evaluated: 2024-11-27. Review status: criteria provided, single submitter. Criteria: ACMG Guidelines, 2015. Collection method: clinical testing. Allele origin: germline.

CeGaT Center for Human Genetics Tuebingen
Classification: Likely benign. Last evaluated: 2023-09-01. Review status: criteria provided, single submitter. Criteria: CeGaT Center For Human Genetics Tuebingen Variant Classification Criteria Version 2. Collection method: clinical testing. Allele origin: germline. Affected: yes. Observed: 3 variant alleles.
Comment: RYR3: BP4, BS2

Breakthrough Genomics
Classification: Benign. Review status: criteria provided, single submitter. Criteria: ACMG Guidelines, 2015. Collection method: not provided. Allele origin: germline. Inheritance: Unknown mechanism. Affected: yes.

Dr. Peter K. Rogan Lab, Western University
No classification provided (evidence only). Condition: Ovarian serous cystadenocarcinoma. Review status: no classification provided. Collection method: in vitro. Allele origin: not applicable. Functional consequence: retained intron. Not counted in ClinVar's aggregate classification.

Dr. Peter K. Rogan Lab, Western University
No classification provided (evidence only). Condition: Malignant tumor of esophagus. Review status: no classification provided. Collection method: in vitro. Allele origin: not applicable. Functional consequence: retained intron. Not counted in ClinVar's aggregate classification.